The following is an entry in ClinVar:

ClinVar aggregate classification (germline): Conflicting classifications of pathogenicity. Review status: criteria provided, conflicting classifications (1 of 4 stars). 3 submissions from 3 submitters: Uncertain significance (2); Likely benign (1). Last evaluated 2024-02-06.

Conditions:
Familial hypobetalipoproteinemia 1. Also called: APOB-Related Familial Hypobetalipoproteinemia; Hypobetalipoproteinemia, normotriglyceridemic; Acanthocytosis with hypobetalipoproteinemia. Identifiers: MedGen C4551990, MONDO:0014252, OMIM 615558.
Hypercholesterolemia, autosomal dominant, type B (FHCL2). Also called: Familial Hypercholesterolemia Type B; APOLIPOPROTEIN B-100, FAMILIAL DEFECTIVE; APOLIPOPROTEIN B-100, FAMILIAL LIGAND-DEFECTIVE; HYPERCHOLESTEROLEMIA, FAMILIAL, DUE TO LIGAND-DEFECTIVE APOLIPOPROTEIN B; Hyperlipoproteinemia Type IIb; APOB-Related Familial Hypercholesterolemia, Autosomal Dominant. Identifiers: MedGen C1704417, MONDO:0007751, OMIM 144010.
Cardiovascular phenotype. Identifiers: MedGen CN230736.

Allele frequency attached by ClinVar (database versions not stated): ExAC 0.00002.
gnomAD v4.1: 18 of 1,613,932 alleles (0.0011%); highest among the groups gnomAD compares: Non-Finnish European, 0.0014%; no homozygotes.

Submissions (3):

Ambry Genetics
Classification: Uncertain significance for Cardiovascular phenotype. Last evaluated: 2024-02-06. Review status: criteria provided, single submitter. Criteria: Ambry Variant Classification Scheme 2023. Collection method: clinical testing. Allele origin: germline.
Comment: The p.P536T variant (also known as c.1606C>A), located in coding exon 12 of the APOB gene, results from a C to A substitution at nucleotide position 1606. The proline at codon 536 is replaced by threonine, an amino acid with highly similar properties. This amino acid position is conserved. In addition, this alteration is predicted to be tolerated by in silico analysis. Based on the available evidence, the clinical significance of this alteration remains unclear.

Labcorp Genetics (formerly Invitae), Labcorp
Classification: Likely benign for Familial hypobetalipoproteinemia 1; Hypercholesterolemia, autosomal dominant, type B. Last evaluated: 2023-10-13. Review status: criteria provided, single submitter. Criteria: Invitae Variant Classification Sherloc (09022015). Collection method: clinical testing. Allele origin: germline.

GeneDx
Classification: Uncertain significance. Last evaluated: 2023-07-03. Review status: criteria provided, single submitter. Criteria: GeneDx Variant Classification Process June 2021. Collection method: clinical testing. Allele origin: germline. Affected: yes.
Comment: Not observed at significant frequency in large population cohorts (gnomAD); In silico analysis supports that this missense variant does not alter protein structure/function; Has not been previously published as pathogenic or benign to our knowledge

NM_000384.3(APOB):c.1606C>A (p.Pro536Thr)

Gene: APOB (apolipoprotein B; minus strand). Cytogenetic location: 2p24.1.
Variant type: single nucleotide variant.
Coding change: c.1606C>A on transcript NM_000384.3 (MANE Select); coding-DNA position 1606, C replaced by A.
Protein change: p.Pro536Thr; replaces proline 536 with threonine.
Molecular consequence: missense variant.
Genome position (GRCh38, 1-based): chr2:21,029,650, G>T on the plus strand (C>A on the coding strand, the complement: APOB is on the minus strand). VCF-style: chr2-21029650-G-T. GRCh37 (hg19) VCF-style: chr2-21252522-G-T.
Other names: c.1606C>A (NM_000384.2); short protein forms P536T.
Identifiers: ClinVar variation 2181817 (VCV002181817.6), dbSNP rs760504695, ClinGen allele CA053998.